The following is an entry in ClinVar:

NM_001267550.2(TTN):c.107614A>G (p.Met35872Val)

Genes: TTN-AS1 (TTN antisense RNA 1; plus strand), TTN (titin; minus strand). Cytogenetic location: 2q31.2.
Variant type: single nucleotide variant.
Coding change: c.107614A>G on transcript NM_001267550.2 (MANE Select); coding-DNA position 107614, A replaced by G.
Protein change: p.Met35872Val; replaces methionine 35872 with valine.
Molecular consequence: missense variant.
Genome position (GRCh38, 1-based): chr2:178,527,512, T>C on the plus strand (A>G on the coding strand, the complement: TTN is on the minus strand). VCF-style: chr2-178527512-T-C. GRCh37 (hg19) VCF-style: chr2-179392239-T-C.
Other names: c.102691A>G, p.Met34231Val (NM_001256850.1); c.80419A>G, p.Met26807Val (NM_003319.4); c.99910A>G, p.Met33304Val (NM_133378.4); c.80794A>G, p.Met26932Val (NM_133432.3); c.80995A>G, p.Met26999Val (NM_133437.4); short protein forms M33304V, M34231V, M35872V, M26999V, M26807V, M26932V.
Identifiers: ClinVar variation 2945774 (VCV002945774.3), dbSNP rs781000801, ClinGen allele CA1984924.

ClinVar aggregate classification (germline): Uncertain significance (1 of 4 stars; one submission).

Conditions:
Dilated cardiomyopathy 1G (CMD1G). Identifiers: Orphanet 154, MedGen C1858763, MONDO:0011400, OMIM 604145.
Autosomal recessive limb-girdle muscular dystrophy type 2J (LGMDR10). Also called: Limb-girdle muscular dystrophy, type 2J; MUSCULAR DYSTROPHY, LIMB-GIRDLE, AUTOSOMAL RECESSIVE 10. Identifiers: Orphanet 140922, MedGen C1837342, MONDO:0012127, OMIM 608807.

Allele frequency attached by ClinVar (database versions not stated): gnomAD exomes below 0.00001; ExAC 0.00001.
gnomAD v4.1: 1 of 1,614,046 alleles (0.000062%); highest among the groups gnomAD compares: South Asian, 0.0011%; no homozygotes.

Submission:

Labcorp Genetics (formerly Invitae), Labcorp
Classification: Uncertain significance for Dilated cardiomyopathy 1G; Autosomal recessive limb-girdle muscular dystrophy type 2J. Last evaluated: 2023-04-06. Review status: criteria provided, single submitter. Criteria: Invitae Variant Classification Sherloc (09022015). Collection method: clinical testing. Allele origin: germline.
Comment: This variant is located in the M band of TTN (PMID: 25589632). Variants in this region may be relevant for neuromuscular disorders, but have not been definitively shown to cause cardiomyopathy (PMID: 23975875). In summary, the available evidence is currently insufficient to determine the role of this variant in disease. Therefore, it has been classified as a Variant of Uncertain Significance. Experimental studies and prediction algorithms are not available or were not evaluated, and the functional significance of this variant is currently unknown. This variant has not been reported in the literature in individuals affected with TTN-related conditions. This variant is present in population databases (rs781000801, gnomAD 0.003%). This sequence change replaces methionine, which is neutral and non-polar, with valine, which is neutral and non-polar, at codon 35872 of the TTN protein (p.Met35872Val).

Literature cited by the submitters: PubMed 25589632; PubMed 23975875.